The following is an entry in ClinVar:

ClinVar aggregate classification (germline): Uncertain significance. Review status: criteria provided, multiple submitters, no conflicts (2 of 4 stars). 2 submissions from 2 submitters: Uncertain significance (2). Last evaluated 2025-02-12.

Conditions:
Autosomal recessive limb-girdle muscular dystrophy type 2L (LGMDR12). Also called: Limb-girdle muscular dystrophy, type 2L; Limb-Girdle Muscular Dystrophy R12 Anoctamin-5-Related (LGMD-R12); MUSCULAR DYSTROPHY, LIMB-GIRDLE, AUTOSOMAL RECESSIVE 12. Identifiers: Orphanet 206549, MedGen C1969785, MONDO:0012652, OMIM 611307.
Gnathodiaphyseal dysplasia (GDD). Also called: GNATHODIAPHYSEAL SCLEROSIS; OSTEOGENESIS IMPERFECTA WITH UNUSUAL SKELETAL LESIONS. Identifiers: Orphanet 53697, MedGen C1833736, MONDO:0008151, OMIM 166260.
Inborn genetic diseases. Identifiers: MedGen C0950123, MeSH D030342.

Allele frequency attached by ClinVar (database versions not stated): gnomAD below 0.00001 and 0.00003; TOPMed below 0.00001; gnomAD exomes 0.00003 and 0.00005; ExAC 0.00006; 1000 Genomes Project 0.00020; 1000 Genomes Project 30x 0.00031.
gnomAD v4.1: 41 of 1,604,658 alleles (0.0026%); highest among the groups gnomAD compares: South Asian, 0.039%; 1 homozygote.

Submissions (2):

Ambry Genetics
Classification: Uncertain significance for Inborn genetic diseases. Last evaluated: 2025-02-12. Review status: criteria provided, single submitter. Criteria: Ambry Variant Classification Scheme 2023. Collection method: clinical testing. Allele origin: germline.

Labcorp Genetics (formerly Invitae), Labcorp
Classification: Uncertain significance for Autosomal recessive limb-girdle muscular dystrophy type 2L; Gnathodiaphyseal dysplasia. Last evaluated: 2022-09-06. Review status: criteria provided, single submitter. Criteria: Invitae Variant Classification Sherloc (09022015). Collection method: clinical testing. Allele origin: germline.
Comment: ClinVar contains an entry for this variant (Variation ID: 664021). Algorithms developed to predict the effect of missense changes on protein structure and function are either unavailable or do not agree on the potential impact of this missense change (SIFT: "Deleterious"; PolyPhen-2: "Benign"; Align-GVGD: "Class C0"). In summary, the available evidence is currently insufficient to determine the role of this variant in disease. Therefore, it has been classified as a Variant of Uncertain Significance. This variant has not been reported in the literature in individuals affected with ANO5-related conditions. This sequence change replaces glutamic acid, which is acidic and polar, with glycine, which is neutral and non-polar, at codon 99 of the ANO5 protein (p.Glu99Gly). This variant is present in population databases (rs571318959, gnomAD 0.03%).

NM_213599.3(ANO5):c.296A>G (p.Glu99Gly)

Gene: ANO5 (anoctamin 5; plus strand). Cytogenetic location: 11p14.3.
Variant type: single nucleotide variant.
Coding change: c.296A>G on transcript NM_213599.3 (MANE Select); coding-DNA position 296, A replaced by G.
Protein change: p.Glu99Gly; replaces glutamic acid 99 with glycine.
Molecular consequence: missense variant.
Genome position (GRCh38, 1-based): chr11:22,225,985, A>G. VCF-style: chr11-22225985-A-G. GRCh37 (hg19) VCF-style: chr11-22247531-A-G.
Other names: c.293A>G, p.Glu98Gly (NM_001142649.2); short protein forms E98G, E99G.
Identifiers: ClinVar variation 664021 (VCV000664021.9), dbSNP rs571318959, ClinGen allele CA5922881.